The following is an entry in ClinVar:

NC_000017.10:g.(41249307_41251791)_(41251898_41256138)dup

Gene: BRCA1 (BRCA1 DNA repair associated; minus strand). Cytogenetic location: 17q21.31.
Variant type: Duplication.
Identifiers: ClinVar variation 4688517 (VCV004688517.1).

ClinVar aggregate classification (germline): Likely pathogenic (1 of 4 stars; one submission).

Conditions:
Hereditary breast ovarian cancer syndrome. Also called: Hereditary breast and ovarian cancer syndrome (HBOC); Breast and ovarian cancer; Hereditary breast and ovarian cancer; Hereditary breast and ovarian cancer syndrome; BRCA1- and BRCA2-Associated Hereditary Breast and Ovarian Cancer; Hereditary breast and/or ovarian cancer syndrome. Identifiers: Orphanet 145, MedGen C0677776, MeSH D061325, MONDO:0003582. Disease mechanism: loss of function.

Submission:

Women's Health and Genetics/Laboratory Corporation of America, LabCorp
Classification: Likely pathogenic for Hereditary breast ovarian cancer syndrome. Last evaluated: 2025-12-05. Review status: criteria provided, single submitter. Criteria: LabCorp Variant Classification Summary - May 2015. Collection method: clinical testing. Allele origin: germline.
Comment: Variant summary: The variant involves the duplication of exon 7 (legacy exon 8) in the BRCA1 gene. A presumed nomenclature of c.(441+1_442-1)_(547+1_548-1)dup has been designated for the purposes of this classification. It is assumed to be a tandem duplication in direct orientation (PMIDs: 25640679, 30054569). This Copy Number Variant (CNV) is expected to alter the reading frame and predicted to result in a truncation or absence of the encoded protein due to nonsense mediated decay (NMD). Loss-of-function variants in this gene are known to be pathogenic. The variant was absent in 21694 control chromosomes. The available data on variant occurrences in the general population are insufficient to allow any conclusion about variant significance. c.(441+1_442-1)_(547+1_548-1)dup has been observed in individual(s) affected with Hereditary Breast And Ovarian Cancer Syndrome. To our knowledge, no experimental evidence demonstrating an impact on protein function has been reported. ClinVar contains an entry for this variant (Variation ID: 1517562). Based on the evidence outlined above, the variant was classified as likely pathogenic.

Literature cited by the submitters: PubMed 29483665.